The following is an entry in ClinVar:

ClinVar aggregate classification (germline): Conflicting classifications of pathogenicity. Review status: criteria provided, conflicting classifications (1 of 4 stars). 4 submissions from 4 submitters: Uncertain significance (1); Benign (1); Likely benign (2). Last evaluated 2025-06-25.

Conditions:
Hereditary cancer-predisposing syndrome. Also called: Hereditary Cancer Syndrome; Neoplastic Syndromes, Hereditary; Hereditary neoplastic syndrome; Tumor predisposition. Identifiers: Orphanet 140162, MedGen C0027672, MeSH D009386, MONDO:0015356.
Hereditary diffuse gastric adenocarcinoma (HDGC). Also called: DIFFUSE GASTRIC AND LOBULAR BREAST CANCER SYNDROME. Identifiers: Orphanet 26106, MedGen C1708349, MONDO:0007648, OMIM 137215.

Submissions (4):

Labcorp Genetics (formerly Invitae), Labcorp
Classification: Likely benign for Hereditary diffuse gastric adenocarcinoma. Last evaluated: 2025-06-25. Review status: criteria provided, single submitter. Criteria: Invitae Variant Classification Sherloc (09022015). Collection method: clinical testing. Allele origin: germline.

Myriad Genetics, Inc.
Classification: Benign for Hereditary diffuse gastric adenocarcinoma. Last evaluated: 2024-09-17. Review status: criteria provided, single submitter. Criteria: Myriad Autosomal Dominant, Autosomal Recessive and X-Linked Classification Criteria (2023). Collection method: clinical testing. Allele origin: unknown.
Comment: This variant is considered benign. This variant is a silent/synonymous amino acid change and it is not expected to impact splicing.

Quest Diagnostics Nichols Institute San Juan Capistrano
Classification: Uncertain significance. Last evaluated: 2022-12-27. Review status: criteria provided, single submitter. Criteria: Quest Diagnostics criteria. Collection method: clinical testing. Allele origin: unknown.
Comment: To the best of our knowledge, the variant has not been reported in the published literature. It also has not been reported in large, multi-ethnic general populations. Analysis of this variant using software algorithms for the prediction of the effect of nucleotide changes on splicing yielded predictions that this variant does not affect CDH1 mRNA splicing . Based on the available information, we are unable to determine the clinical significance of this variant.

Ambry Genetics
Classification: Likely benign for Hereditary cancer-predisposing syndrome. Last evaluated: 2018-02-09. Review status: criteria provided, single submitter. Criteria: Ambry Variant Classification Scheme 2023. Collection method: clinical testing. Allele origin: germline.

NM_004360.5(CDH1):c.1104C>T (p.Thr368=)

Gene: CDH1 (cadherin 1; plus strand). Cytogenetic location: 16q22.1.
Variant type: single nucleotide variant.
Coding change: c.1104C>T on transcript NM_004360.5 (MANE Select); coding-DNA position 1104, C replaced by T.
Protein change: p.Thr368=; no amino-acid change (threonine 368 retained).
Molecular consequence: synonymous variant. On other transcripts: 5 prime UTR variant (2).
Genome position (GRCh38, 1-based): chr16:68,812,230, C>T. VCF-style: chr16-68812230-C-T. GRCh37 (hg19) VCF-style: chr16-68846133-C-T.
Other names: c.1104C>T (NM_004360.4); c.1104C>T, p.Thr368= (NM_001317184.2); c.-512C>T (NM_001317185.2); c.-716C>T (NM_001317186.2).
Identifiers: ClinVar variation 818369 (VCV000818369.14), dbSNP rs1597894838, ClinGen allele CA496153113.